The following is an entry in ClinVar:

NM_025074.7(FRAS1):c.902C>T (p.Ser301Leu)

Gene: FRAS1 (Fraser extracellular matrix complex subunit 1; plus strand). Cytogenetic location: 4q21.21.
Variant type: single nucleotide variant.
Coding change: c.902C>T on transcript NM_025074.7 (MANE Select); coding-DNA position 902, C replaced by T.
Protein change: p.Ser301Leu; replaces serine 301 with leucine.
Molecular consequence: missense variant.
Genome position (GRCh38, 1-based): chr4:78,267,353, C>T. VCF-style: chr4-78267353-C-T. GRCh37 (hg19) VCF-style: chr4-79188507-C-T.
Other names: c.902C>T, p.Ser301Leu (NM_001166133.2); c.902C>T (NM_025074.6); short protein forms S301L.
Identifiers: ClinVar variation 2050849 (VCV002050849.6), dbSNP rs200934946, ClinGen allele CA2976113.

ClinVar aggregate classification (germline): Likely benign. Review status: criteria provided, single submitter (1 of 4 stars). 2 submissions from 2 submitters: Likely benign (1). 1 of the submissions does not count toward it. Last evaluated 2026-01-09.

Conditions:
FRAS1-related disorder. Also called: FRAS1-related condition.

Allele frequency attached by ClinVar (database versions not stated): gnomAD exomes 0.00008; ExAC 0.00021; gnomAD 0.00074; ESP Exome Variant Server 0.00078; TOPMed 0.00091.
gnomAD v4.1: 230 of 1,613,760 alleles (0.014%); highest among the groups gnomAD compares: African/African-American, 0.24%; no homozygotes.

Submissions (2):

Labcorp Genetics (formerly Invitae), Labcorp
Classification: Likely benign. Last evaluated: 2026-01-09. Review status: criteria provided, single submitter. Criteria: Invitae Variant Classification Sherloc (09022015). Collection method: clinical testing. Allele origin: germline.

PreventionGenetics, part of Exact Sciences
Classification: Likely benign for FRAS1-related condition. Last evaluated: 2023-12-01. Review status: no assertion criteria provided. Collection method: clinical testing. Allele origin: germline. Not counted in ClinVar's aggregate classification.
Comment: This variant is classified as likely benign based on ACMG/AMP sequence variant interpretation guidelines (Richards et al. 2015 PMID: 25741868, with internal and published modifications).